The following is an entry in ClinVar:

ClinVar aggregate classification (germline): Uncertain significance. Review status: criteria provided, multiple submitters, no conflicts (2 of 4 stars). 3 submissions from 3 submitters: Uncertain significance (3). Last evaluated 2026-01-04.

Conditions:
Baller-Gerold syndrome (BGS). Also called: CRANIOSYNOSTOSIS WITH RADIAL DEFECTS. Identifiers: Orphanet 1225, MedGen C0265308, MONDO:0009039, OMIM 218600.
Rapadilino syndrome. Identifiers: Orphanet 3021, MedGen C1849453, MONDO:0009955, OMIM 266280.
Rothmund-Thomson syndrome (RTS). Also called: Poikiloderma of Rothmund-Thomson; Poikiloderma Congenitale. Identifiers: Orphanet 2909, MedGen C0032339, MONDO:0010002.

Allele frequency attached by ClinVar (database versions not stated): 1000 Genomes Project 30x 0.00031.

Submissions (3):

Labcorp Genetics (formerly Invitae), Labcorp
Classification: Uncertain significance for Baller-Gerold syndrome. Last evaluated: 2026-01-04. Review status: criteria provided, single submitter. Criteria: Invitae Variant Classification Sherloc (09022015). Collection method: clinical testing. Allele origin: germline.
Comment: This sequence change replaces glycine, which is neutral and non-polar, with serine, which is neutral and polar, at codon 1166 of the RECQL4 protein (p.Gly1166Ser). This variant is present in population databases (rs779410033, gnomAD 0.01%). This variant has not been reported in the literature in individuals affected with RECQL4-related conditions. ClinVar contains an entry for this variant (Variation ID: 570383). Invitae Evidence Modeling of protein sequence and biophysical properties (such as structural, functional, and spatial information, amino acid conservation, physicochemical variation, residue mobility, and thermodynamic stability) indicates that this missense variant is expected to disrupt RECQL4 protein function with a positive predictive value of 80%. In summary, the available evidence is currently insufficient to determine the role of this variant in disease. Therefore, it has been classified as a Variant of Uncertain Significance.

Institute for Clinical Genetics, University Hospital TU Dresden, University Hospital TU Dresden
Classification: Uncertain significance. Last evaluated: 2021-11-03. Review status: criteria provided, single submitter. Criteria: ACMG Guidelines, 2015. Collection method: clinical testing. Allele origin: germline.

Fulgent Genetics
Classification: Uncertain significance for Baller-Gerold syndrome; Rapadilino syndrome; Rothmund-Thomson syndrome type 2. Last evaluated: 2018-10-31. Review status: criteria provided, single submitter. Criteria: ACMG Guidelines, 2015. Collection method: clinical testing. Allele origin: unknown.

NM_004260.4(RECQL4):c.3496G>A (p.Gly1166Ser)

Gene: RECQL4 (RecQ like helicase 4; minus strand). Cytogenetic location: 8q24.3.
Variant type: single nucleotide variant.
Coding change: c.3496G>A on transcript NM_004260.4 (MANE Select); coding-DNA position 3496, G replaced by A.
Protein change: p.Gly1166Ser; replaces glycine 1166 with serine.
Molecular consequence: missense variant.
Genome position (GRCh38, 1-based): chr8:144,511,687, C>T on the plus strand (G>A on the coding strand, the complement: RECQL4 is on the minus strand). VCF-style: chr8-144511687-C-T. GRCh37 (hg19) VCF-style: chr8-145737070-C-T.
Other names: short protein forms G1166S.
Identifiers: ClinVar variation 570383 (VCV000570383.11), dbSNP rs779410033, ClinGen allele CA4947716.
Genomic context (GRCh38, chr8:144,511,687, plus strand): 5'-CCTGCCCCAGCCCCCAGCCCCAGCCTGCAGCGGGTGGGGCCTCCCAGGCCTCACCGATGC[C>T]GTGGAAGATGCGGGCCACAGCCCTGCTGGAGAACTTCTCCTCTGGCCTCAGGGACAGGAA-3'
Protein context (NP_004251.4, residues 1156-1176): SSRAVARIFH[Gly1166Ser]IGSPCYPAQV